The following is an entry in ClinVar:

NM_022455.5(NSD1):c.4005G>T (p.Leu1335Phe)

Gene: NSD1 (nuclear receptor binding SET domain protein 1; plus strand). Cytogenetic location: 5q35.3.
Variant type: single nucleotide variant.
Coding change: c.4005G>T on transcript NM_022455.5 (MANE Select); coding-DNA position 4005, G replaced by T.
Protein change: p.Leu1335Phe; replaces leucine 1335 with phenylalanine.
Molecular consequence: missense variant.
Genome position (GRCh38, 1-based): chr5:177,238,320, G>T. VCF-style: chr5-177238320-G-T. GRCh37 (hg19) VCF-style: chr5-176665321-G-T.
Other names: c.3132G>T, p.Leu1044Phe (NM_001365684.2, NM_001409306.1, NM_001409307.1 and 3 more transcripts); c.4005G>T, p.Leu1335Phe (NM_001409301.1, NM_001409302.1, NM_001409303.1); c.3585G>T, p.Leu1195Phe (NM_001409304.1); c.3252G>T, p.Leu1084Phe (NM_001409305.1); short protein forms L1084F, L1335F, L1044F, L1195F.
Identifiers: ClinVar variation 3670943 (VCV003670943.2).

ClinVar aggregate classification (germline): Uncertain significance (1 of 4 stars; one submission).

Submission:

Labcorp Genetics (formerly Invitae), Labcorp
Classification: Uncertain significance. Last evaluated: 2024-09-16. Review status: criteria provided, single submitter. Criteria: Invitae Variant Classification Sherloc (09022015). Collection method: clinical testing. Allele origin: germline.
Comment: This sequence change replaces leucine, which is neutral and non-polar, with phenylalanine, which is neutral and non-polar, at codon 1335 of the NSD1 protein (p.Leu1335Phe). This variant is not present in population databases (gnomAD no frequency). This variant has not been reported in the literature in individuals affected with NSD1-related conditions. Invitae Evidence Modeling of protein sequence and biophysical properties (such as structural, functional, and spatial information, amino acid conservation, physicochemical variation, residue mobility, and thermodynamic stability) indicates that this missense variant is not expected to disrupt NSD1 protein function with a negative predictive value of 95%. In summary, the available evidence is currently insufficient to determine the role of this variant in disease. Therefore, it has been classified as a Variant of Uncertain Significance.